The following is an entry in ClinVar:

ClinVar aggregate classification (germline): Uncertain significance (1 of 4 stars; one submission).

gnomAD v4.1: 3 of 1,603,672 alleles (0.00019%); highest among the groups gnomAD compares: Non-Finnish European, 0.00025%; no homozygotes.

Submission:

Labcorp Genetics (formerly Invitae), Labcorp
Classification: Uncertain significance. Last evaluated: 2025-05-01. Review status: criteria provided, single submitter. Criteria: Invitae Variant Classification Sherloc (09022015). Collection method: clinical testing. Allele origin: germline.
Comment: This sequence change replaces tyrosine, which is neutral and polar, with phenylalanine, which is neutral and non-polar, at codon 86 of the DDX58 protein (p.Tyr86Phe). This variant is present in population databases (no rsID available, gnomAD 0.0009%). This variant has not been reported in the literature in individuals affected with DDX58-related conditions. An algorithm developed to predict the effect of missense changes on protein structure and function (PolyPhen-2) suggests that this variant is likely to be tolerated. In summary, the available evidence is currently insufficient to determine the role of this variant in disease. Therefore, it has been classified as a Variant of Uncertain Significance.

NM_014314.4(RIGI):c.257A>T (p.Tyr86Phe)

Gene: RIGI (RNA sensor RIG-I; minus strand). Cytogenetic location: 9p21.1.
Variant type: single nucleotide variant.
Coding change: c.257A>T on transcript NM_014314.4 (MANE Select); coding-DNA position 257, A replaced by T.
Protein change: p.Tyr86Phe; replaces tyrosine 86 with phenylalanine.
Molecular consequence: missense variant. On other transcripts: 5 prime UTR variant (3).
Genome position (GRCh38, 1-based): chr9:32,493,927, T>A on the plus strand (A>T on the coding strand, the complement: RIGI is on the minus strand). VCF-style: chr9-32493927-T-A. GRCh37 (hg19) VCF-style: chr9-32493925-T-A.
Other names: c.257A>T, p.Tyr86Phe (NM_001385907.1, NM_001385909.1, NM_001385913.1); c.-198A>T (NM_001385910.1, NM_001385914.1); c.-205A>T (NM_001385912.1); short protein forms Y86F.
Identifiers: ClinVar variation 4698347 (VCV004698347.1).